The following is an entry in ClinVar:

ClinVar aggregate classification (germline): Uncertain significance (1 of 4 stars; one submission).

Submission:

Women's Health and Genetics/Laboratory Corporation of America, LabCorp
Classification: Uncertain significance. Last evaluated: 2026-04-07. Review status: criteria provided, single submitter. Criteria: LabCorp Variant Classification Summary - May 2015. Collection method: clinical testing. Allele origin: germline.
Comment: Variant summary: POLR3B c.2972C>A (p.Ser991Tyr) results in a non-conservative amino acid change in the encoded protein sequence. Algorithms developed to predict the effect of missense changes on protein structure and function all suggest that this variant is likely to be disruptive. The variant was absent in 251400 control chromosomes. The available data on variant occurrences in the general population are insufficient to allow any conclusion about variant significance. To our knowledge, no occurrence of c.2972C>A in individuals affected with POLR3B-related conditions and no experimental evidence demonstrating its impact on protein function have been reported. No submitters have cited clinical-significance assessments for this variant to ClinVar. Based on the evidence outlined above, the variant was classified as uncertain significance.

NM_018082.6(POLR3B):c.2972C>A (p.Ser991Tyr)

Genes: RFX4-AS1 (RFX4 antisense RNA 1; minus strand), POLR3B (RNA polymerase III subunit B; plus strand). Cytogenetic location: 12q23.3.
Variant type: single nucleotide variant.
Coding change: c.2972C>A on transcript NM_018082.6 (MANE Select); coding-DNA position 2972, C replaced by A.
Protein change: p.Ser991Tyr; replaces serine 991 with tyrosine.
Molecular consequence: missense variant.
Genome position (GRCh38, 1-based): chr12:106,496,906, C>A. VCF-style: chr12-106496906-C-A. GRCh37 (hg19) VCF-style: chr12-106890684-C-A.
Other names: c.2798C>A, p.Ser933Tyr (NM_001160708.2); short protein forms S933Y, S991Y.
Identifiers: ClinVar variation 4848831 (VCV004848831.1).